The following is an entry in ClinVar:

NM_004656.4(BAP1):c.1480_1481del (p.Asp494fs)

Gene: BAP1 (BRCA1 associated deubiquitinase 1; minus strand). Cytogenetic location: 3p21.1.
Variant type: Deletion.
Coding change: c.1480_1481del on transcript NM_004656.4 (MANE Select); coding-DNA positions 1480 to 1481, 2 bases deleted (GA; older notation c.1480_1481delGA).
Protein change: p.Asp494fs; shifts the reading frame from aspartic acid 494.
Molecular consequence: frameshift variant.
Genome position (GRCh38, 1-based): chr3:52,403,664-52,403,665, TC deleted on the plus strand (GA on the coding strand, the reverse complement: BAP1 is on the minus strand); deleting any 2 consecutive bases within chr3:52,403,664-52,403,666 gives the same sequence; the c. name uses the placement nearest the transcript's 3' end. VCF-style (leftmost placement, unchanged base first): chr3-52403663-GTC-G. GRCh37 (hg19) VCF-style: chr3-52437679-GTC-G.
Other names: c.1480_1481delGA (NM_004656.4, NM_004656.3); short protein forms D494fs.
Identifiers: ClinVar variation 1698777 (VCV001698777.3), dbSNP rs2153226700, ClinGen allele CA1139768936.

ClinVar aggregate classification (germline): Pathogenic. Review status: criteria provided, multiple submitters, no conflicts (2 of 4 stars). 2 submissions from 2 submitters: Pathogenic (2). Last evaluated 2024-07-24.

Conditions:
BAP1-related tumor predisposition syndrome (TPDS1). Also called: Tumor susceptibility linked to germline BAP1 mutations; BAP1 tumor predisposition syndrome; COMMON Syndrome; TUMOR PREDISPOSITION SYNDROME 1. Identifiers: Orphanet 289539, MedGen C3280492, MONDO:0013692, OMIM 614327.

Submissions (2):

Molecular Pathology, Peter Maccallum Cancer Centre
Classification: Pathogenic for BAP1-related tumor predisposition syndrome. Last evaluated: 2024-07-24. Review status: criteria provided, single submitter. Criteria: ACMG Guidelines, 2015. Collection method: clinical testing. Allele origin: germline. Inheritance: Autosomal dominant inheritance.

Genetics and Molecular Pathology, SA Pathology
Classification: Pathogenic for BAP1-related tumor predisposition syndrome. Last evaluated: 2021-05-24. Review status: criteria provided, single submitter. Criteria: ACMG Guidelines, 2015. Collection method: clinical testing. Allele origin: germline. Inheritance: Autosomal dominant inheritance. Affected: yes.
Comment: The BAP1 c.1480_1481del variant is classified as PATHOGENIC (PM2, PS4-sup, PVS1) This BAP1 c.1480_1481del variant is a deletion of two nucleotides in exon 13 of 17 which is predicted to create a frameshift at position 494 in the protein, causing a premature termination codon 4 amino acids downstream (PVS1). The variant has been reported in 1 individual with a sporadic uveal melanoma of the ciliary body (PMID: 23171164) (PS4-sup). This variant is absent from population databases (PM2) and has not been reported in the ClinVar database. The variant has been reported in the HGMD database as disease causing (CD1211035).

Literature cited by the submitters: PubMed 23171164 (cited by Genetics and Molecular Pathology, SA Pathology).